The following is an entry in ClinVar:

NM_006648.4(WNK2):c.2602C>T (p.Pro868Ser)

Gene: WNK2 (WNK lysine deficient protein kinase 2; plus strand). Cytogenetic location: 9q22.31.
Variant type: single nucleotide variant.
Coding change: c.2602C>T on transcript NM_006648.4 (MANE Select); coding-DNA position 2602, C replaced by T.
Protein change: p.Pro868Ser; replaces proline 868 with serine.
Molecular consequence: missense variant.
Genome position (GRCh38, 1-based): chr9:93,259,150, C>T. VCF-style: chr9-93259150-C-T. GRCh37 (hg19) VCF-style: chr9-96021432-C-T.
Other names: c.2602C>T, p.Pro868Ser (NM_001282394.3); short protein forms P868S.
Identifiers: ClinVar variation 2383125 (VCV002383125.3), dbSNP rs1414905895, ClinGen allele CA374056932.

ClinVar aggregate classification (germline): Uncertain significance (1 of 4 stars; one submission).

Allele frequency attached by ClinVar (database versions not stated): gnomAD exomes below 0.00001; gnomAD 0.00001; TOPMed 0.00001.
gnomAD v4.1: 7 of 1,611,956 alleles (0.00043%); highest among the groups gnomAD compares: East Asian, 0.0022%; no homozygotes.

Submission:

Ambry Genetics
Classification: Uncertain significance. Last evaluated: 2024-12-31. Review status: criteria provided, single submitter. Criteria: Ambry Variant Classification Scheme 2023. Collection method: clinical testing. Allele origin: germline.
Comment: The p.P868S variant (also known as c.2602C>T), located in coding exon 11 of the WNK2 gene, results from a C to T substitution at nucleotide position 2602. The proline at codon 868 is replaced by serine, an amino acid with similar properties. This amino acid position is conserved. In addition, this alteration is predicted to be tolerated by in silico analysis. Based on the available evidence, the clinical significance of this variant remains unclear.